The following is an entry in ClinVar:

ClinVar aggregate classification (germline): Benign. Review status: criteria provided, multiple submitters, no conflicts (2 of 4 stars). 8 submissions from 8 submitters: Benign (6). 2 of the submissions do not count toward it. Last evaluated 2026-02-03.

Conditions:
Retinal dystrophy. Also called: Inherited retinal dystrophy. Identifiers: Orphanet 71862, MedGen C0854723, MeSH D058499, MONDO:0019118, HP:0000556.
Retinitis pigmentosa (RP). Identifiers: Orphanet 791, MedGen C0035334, MeSH D012174, MONDO:0019200, OMIM 268000. Inheritance: Autosomal dominant, autosomal recessive and X linked inheritance.
Retinitis pigmentosa 1 (RP1). Identifiers: Orphanet 791, MedGen C0220701, MONDO:0008377, OMIM 180100.

Allele frequency attached by ClinVar (database versions not stated): 1000 Genomes Project 30x 0.27420; gnomAD exomes 0.27748; TOPMed 0.26524; ExAC 0.27247; ESP Exome Variant Server 0.24789; gnomAD 0.25064; 1000 Genomes Project 0.27895.
gnomAD v4.1: 436,997 of 1,613,824 alleles (27%); highest among the groups gnomAD compares: East Asian, 41%; 60,729 homozygotes.

Submissions (8):

Labcorp Genetics (formerly Invitae), Labcorp
Classification: Benign. Last evaluated: 2026-02-03. Review status: criteria provided, single submitter. Criteria: Invitae Variant Classification Sherloc (09022015). Collection method: clinical testing. Allele origin: germline.

Dept Of Ophthalmology, Nagoya University
Classification: Benign for Retinal dystrophy. Last evaluated: 2023-10-01. Review status: criteria provided, single submitter. Criteria: Submitter's publication. Collection method: research. Allele origin: germline. Affected: yes.

Genome-Nilou Lab
Classification: Benign for Retinitis pigmentosa 1. Last evaluated: 2021-11-07. Review status: criteria provided, single submitter. Criteria: ACMG Guidelines, 2015. Collection method: clinical testing. Allele origin: germline. Affected: no.

Illumina Laboratory Services, Illumina
Classification: Benign for Retinitis pigmentosa. Last evaluated: 2018-01-12. Review status: criteria provided, single submitter. Criteria: ICSL Variant Classification Criteria 13 December 2019. Collection method: clinical testing. Allele origin: germline.
Comment: This variant was observed in the ICSL laboratory as part of a predisposition screen in an ostensibly healthy population. It had not been previously curated by ICSL or reported in the Human Gene Mutation Database (HGMD: prior to June 1st, 2018), and was therefore a candidate for classification through an automated scoring system. Utilizing variant allele frequency, disease prevalence and penetrance estimates, and inheritance mode, an automated score was calculated to assess if this variant is too frequent to cause the disease. Based on the score and internal cut-off values, a variant classified as benign is not then subjected to further curation. The score for this variant resulted in a classification of benign for this disease.

Eurofins Ntd Llc (ga)
Classification: Benign. Last evaluated: 2013-09-13. Review status: criteria provided, single submitter. Criteria: EGL Classification Definitions 2015. Collection method: clinical testing. Allele origin: germline. Observed: 6 variant alleles, 4 heterozygotes, 2 homozygotes.

Breakthrough Genomics
Classification: Benign. Review status: criteria provided, single submitter. Criteria: ACMG Guidelines, 2015. Collection method: not provided. Allele origin: germline. Inheritance: Autosomal dominant inheritance. Affected: yes.

Diagnostic Laboratory, Department of Genetics, University Medical Center Groningen
Classification: Benign. Review status: no assertion criteria provided. Collection method: clinical testing. Allele origin: germline. Affected: yes. Study: VKGL Data-share Consensus. Not counted in ClinVar's aggregate classification.

Joint Genome Diagnostic Labs from Nijmegen and Maastricht, Radboudumc and MUMC+
Classification: Benign. Review status: no assertion criteria provided. Collection method: clinical testing. Allele origin: germline. Affected: yes. Study: VKGL Data-share Consensus. Not counted in ClinVar's aggregate classification.

NM_006269.2(RP1):c.5071T>C (p.Ser1691Pro)

Genes: RP1 (RP1 axonemal microtubule associated; plus strand), LOC126860392 (CDK7 strongly-dependent group 2 enhancer GRCh37_chr8:55541319-55542518; plus strand). Cytogenetic location: 8q12.1.
Variant type: single nucleotide variant.
Coding change: c.5071T>C on transcript NM_006269.2 (MANE Select); coding-DNA position 5071, T replaced by C.
Protein change: p.Ser1691Pro; replaces serine 1691 with proline.
Molecular consequence: missense variant.
Genome position (GRCh38, 1-based): chr8:54,628,953, T>C. VCF-style: chr8-54628953-T-C. GRCh37 (hg19) VCF-style: chr8-55541513-T-C.
Other names: short protein forms S1691P.
Identifiers: ClinVar variation 95354 (VCV000095354.27), dbSNP rs414352, ClinGen allele CA148465.